The following is an entry in ClinVar:

NM_002528.7(NTHL1):c.499C>G (p.Leu167Val)

Gene: NTHL1 (nth like DNA glycosylase 1; minus strand). Cytogenetic location: 16p13.3.
Variant type: single nucleotide variant.
Coding change: c.499C>G on transcript NM_002528.7 (MANE Select); coding-DNA position 499, C replaced by G.
Protein change: p.Leu167Val; replaces leucine 167 with valine.
Molecular consequence: missense variant. On other transcripts: intron variant (1).
Genome position (GRCh38, 1-based): chr16:2,044,656, G>C on the plus strand (C>G on the coding strand, the complement: NTHL1 is on the minus strand). VCF-style: chr16-2044656-G-C. GRCh37 (hg19) VCF-style: chr16-2094657-G-C.
Other names: c.169C>G, p.Leu57Val (NM_001318194.2); c.355-930C>G (NM_001318193.2); c.499C>G, p.Leu167Val (LRG_1366t1); c.523C>G (NM_002528.5); short protein forms L167V, L57V.
Identifiers: ClinVar variation 652417 (VCV000652417.8), dbSNP rs772100661, ClinGen allele CA394294128.

ClinVar aggregate classification (germline): Uncertain significance. Review status: criteria provided, multiple submitters, no conflicts (2 of 4 stars). 3 submissions from 3 submitters: Uncertain significance (3). Last evaluated 2025-03-16.

Conditions:
Familial adenomatous polyposis 3. Also called: NTHL1-Related Adenomatous Polyposis and Colorectal Cancer; NTHL1-associated polyposis; NTHL1-related attenuated familial adenomatous polyposis; NTHL1 Tumor Syndrome. Identifiers: Orphanet 220460, Orphanet 454840, MedGen C4225157, MONDO:0014630, OMIM 616415.
Hereditary cancer-predisposing syndrome. Also called: Tumor predisposition; Neoplastic Syndromes, Hereditary; Hereditary Cancer Syndrome; Hereditary neoplastic syndrome. Identifiers: Orphanet 140162, MedGen C0027672, MeSH D009386, MONDO:0015356.

Submissions (3):

Ambry Genetics
Classification: Uncertain significance for Hereditary cancer-predisposing syndrome. Last evaluated: 2025-03-16. Review status: criteria provided, single submitter. Criteria: Ambry Variant Classification Scheme 2023. Collection method: clinical testing. Allele origin: germline.
Comment: The p.L175V variant (also known as c.523C>G), located in coding exon 3 of the NTHL1 gene, results from a C to G substitution at nucleotide position 523. The leucine at codon 175 is replaced by valine, an amino acid with highly similar properties. This amino acid position is conserved. In addition, the in silico prediction for this alteration is inconclusive. Based on the available evidence, the clinical significance of this variant remains unclear.

Baylor Genetics
Classification: Uncertain significance for Familial adenomatous polyposis 3. Last evaluated: 2023-10-21. Review status: criteria provided, single submitter. Criteria: ACMG Guidelines, 2015. Collection method: clinical testing. Allele origin: unknown.

Labcorp Genetics (formerly Invitae), Labcorp
Classification: Uncertain significance. Last evaluated: 2021-09-10. Review status: criteria provided, single submitter. Criteria: Invitae Variant Classification Sherloc (09022015). Collection method: clinical testing. Allele origin: germline.
Comment: In summary, the available evidence is currently insufficient to determine the role of this variant in disease. Therefore, it has been classified as a Variant of Uncertain Significance. Algorithms developed to predict the effect of missense changes on protein structure and function are either unavailable or do not agree on the potential impact of this missense change (SIFT: "Not Available"; PolyPhen-2: "Benign"; Align-GVGD: "Not Available"). This variant has not been reported in the literature in individuals affected with NTHL1-related conditions. This variant is not present in population databases (ExAC no frequency). This sequence change replaces leucine with valine at codon 175 of the NTHL1 protein (p.Leu175Val). The leucine residue is highly conserved and there is a small physicochemical difference between leucine and valine.